The following is an entry in ClinVar:

ClinVar aggregate classification (germline): Likely pathogenic (1 of 4 stars; one submission).

Conditions:
Spastic paraplegia. Identifiers: MedGen C0037772, HP:0001258.

Submission:

Labcorp Genetics (formerly Invitae), Labcorp
Classification: Likely pathogenic for Spastic paraplegia. Last evaluated: 2019-03-15. Review status: criteria provided, single submitter. Criteria: Invitae Variant Classification Sherloc (09022015). Collection method: clinical testing. Allele origin: germline.
Comment: This sequence change affects a donor splice site in intron 27 of the KIF5A gene. While this is not anticipated to result in nonsense mediated decay, it likely alters RNA splicing and results in a disrupted protein product. This variant is not present in population databases (ExAC no frequency). Disruption of this splice site has been observed in several individuals affected with amyotrophic lateral sclerosis and to segregate with disease in families (PMID: 29342275, 29566793, 29954873). Experimental studies have shown that this variant disrupts mRNA splicing (PMID: 29566793). In summary, the currently available evidence indicates that the variant is pathogenic, but additional data are needed to prove that conclusively. Therefore, this variant has been classified as Likely Pathogenic.

Literature cited by the submitters: PubMed 29342275; PubMed 29566793; PubMed 29954873.

NM_004984.4(KIF5A):c.3020+1G>T

Gene: KIF5A (kinesin family member 5A; plus strand). Cytogenetic location: 12q13.3.
Variant type: single nucleotide variant.
Coding change: c.3020+1G>T on transcript NM_004984.4 (MANE Select); the canonical splice donor site of the intron after coding-DNA position 3020, G replaced by T.
Molecular consequence: splice donor variant.
Genome position (GRCh38, 1-based): chr12:57,582,630, G>T. VCF-style: chr12-57582630-G-T. GRCh37 (hg19) VCF-style: chr12-57976413-G-T.
Other names: c.2753+1G>T (NM_001354705.2).
Identifiers: ClinVar variation 836624 (VCV000836624.8), dbSNP rs1555179091, ClinGen allele CA385517128.
Genomic context (GRCh38, chr12:57,582,630, plus strand): 5'-TAATCCTGTGTTCTCAATGATGATCTCTTCAGGAAATGCCACAGATATCAATGACAATAG[G>T]TACAACAGTCCCCACTACCCCTGGGTTCTCTGGGTGGGACCAGAAGAAATGATTAAATTT-3'